The following is an entry in ClinVar:

NM_005045.4(RELN):c.525G>C (p.Gln175His)

Gene: RELN (reelin; minus strand). Cytogenetic location: 7q22.1.
Variant type: single nucleotide variant.
Coding change: c.525G>C on transcript NM_005045.4 (MANE Select); coding-DNA position 525, G replaced by C.
Protein change: p.Gln175His; replaces glutamine 175 with histidine.
Molecular consequence: missense variant.
Genome position (GRCh38, 1-based): chr7:103,776,576, C>G on the plus strand (G>C on the coding strand, the complement: RELN is on the minus strand). VCF-style: chr7-103776576-C-G. GRCh37 (hg19) VCF-style: chr7-103417023-C-G.
Other names: c.525G>C, p.Gln175His (NM_173054.3); short protein forms Q175H.
Identifiers: ClinVar variation 1051762 (VCV001051762.9), dbSNP rs369997646, ClinGen allele CA4422566.

ClinVar aggregate classification (germline): Uncertain significance (1 of 4 stars; one submission).

Conditions:
Norman-Roberts syndrome (LIS2). Also called: Lissencephaly 2 (Norman-Roberts type). Identifiers: Orphanet 89844, MedGen C0796089, MONDO:0009760, OMIM 257320.
Familial temporal lobe epilepsy 7. Identifiers: Orphanet 101046, MedGen C4225327, MONDO:0014639, OMIM 616436.

Allele frequency attached by ClinVar (database versions not stated): gnomAD 0.00001; gnomAD exomes 0.00001; ExAC 0.00002; ESP Exome Variant Server 0.00008.
gnomAD v4.1: 5 of 1,613,984 alleles (0.00031%); highest among the groups gnomAD compares: African/African-American, 0.0013%; no homozygotes.

Submission:

Labcorp Genetics (formerly Invitae), Labcorp
Classification: Uncertain significance for Familial temporal lobe epilepsy 7; Norman-Roberts syndrome. Last evaluated: 2020-02-06. Review status: criteria provided, single submitter. Criteria: Invitae Variant Classification Sherloc (09022015). Collection method: clinical testing. Allele origin: germline.
Comment: In summary, the available evidence is currently insufficient to determine the role of this variant in disease. Therefore, it has been classified as a Variant of Uncertain Significance. Algorithms developed to predict the effect of missense changes on protein structure and function are either unavailable or do not agree on the potential impact of this missense change (SIFT: "Deleterious"; PolyPhen-2: "Benign"; Align-GVGD: "Class C0"). This variant has not been reported in the literature in individuals with RELN-related conditions. This variant is present in population databases (rs369997646, ExAC 0.003%). This sequence change replaces glutamine with histidine at codon 175 of the RELN protein (p.Gln175His). The glutamine residue is moderately conserved and there is a small physicochemical difference between glutamine and histidine.